The following is an entry in ClinVar:

ClinVar aggregate classification (germline): Uncertain significance (1 of 4 stars; one submission).

Conditions:
Hereditary cancer-predisposing syndrome. Also called: Neoplastic Syndromes, Hereditary; Tumor predisposition; Hereditary neoplastic syndrome; Hereditary Cancer Syndrome. Identifiers: Orphanet 140162, MedGen C0027672, MeSH D009386, MONDO:0015356.

Submissions (2):

Ambry Genetics
Classification: Uncertain significance for Hereditary cancer-predisposing syndrome. Last evaluated: 2025-04-09. Review status: criteria provided, single submitter. Criteria: Ambry Variant Classification Scheme 2023. Collection method: clinical testing. Allele origin: germline.
Comment: The c.3853-1G>A intronic variant results from a G to A substitution one nucleotide before coding exon 19 of the MET gene. This nucleotide position is highly conserved in available vertebrate species. In silico splice site analysis predicts that this alteration will weaken the native splice acceptor site. Alterations that disrupt the canonical splice site are expected to cause aberrant splicing, resulting in an abnormal protein or a transcript that is subject to nonsense-mediated mRNA decay. However, loss of function of MET has not been established as a mechanism of disease. Based on the available evidence, the clinical significance of this alteration remains unclear.

Dr. Peter K. Rogan Lab, Western University
No classification provided (evidence only). Condition: Ovarian serous cystadenocarcinoma. Review status: no classification provided. Collection method: in vitro. Allele origin: not applicable. Functional consequence: retained intron. Not counted in ClinVar's aggregate classification.

NM_000245.4(MET):c.3799-1G>A

Gene: MET (MET proto-oncogene, receptor tyrosine kinase; plus strand). Cytogenetic location: 7q31.2.
Variant type: single nucleotide variant.
Coding change: c.3799-1G>A on transcript NM_000245.4 (MANE Select); the canonical splice acceptor site of the intron before coding-DNA position 3799, G replaced by A.
Molecular consequence: splice acceptor variant.
Genome position (GRCh38, 1-based): chr7:116,795,654, G>A. VCF-style: chr7-116795654-G-A. GRCh37 (hg19) VCF-style: chr7-116435708-G-A.
Other names: NC_000007.13:g.116435708G>A; c.3853-1G>A (NM_001127500.3); c.2509-1G>A (NM_001324402.2).
Identifiers: ClinVar variation 4053921 (VCV004053921.2).